The following is an entry in ClinVar:

NM_024675.4(PALB2):c.1315G>A (p.Gly439Arg)

Gene: PALB2 (partner and localizer of BRCA2; minus strand). Cytogenetic location: 16p12.2.
Variant type: single nucleotide variant.
Coding change: c.1315G>A on transcript NM_024675.4 (MANE Select); coding-DNA position 1315, G replaced by A.
Protein change: p.Gly439Arg; replaces glycine 439 with arginine.
Molecular consequence: missense variant.
Genome position (GRCh38, 1-based): chr16:23,635,231, C>T on the plus strand (G>A on the coding strand, the complement: PALB2 is on the minus strand). VCF-style: chr16-23635231-C-T. GRCh37 (hg19) VCF-style: chr16-23646552-C-T.
Other names: short protein forms G439R.
Identifiers: ClinVar variation 852568 (VCV000852568.11), dbSNP rs764750338, ClinGen allele CA7963720.

ClinVar aggregate classification (germline): Conflicting classifications of pathogenicity. Review status: criteria provided, conflicting classifications (1 of 4 stars). 2 submissions from 2 submitters: Uncertain significance (1); Likely benign (1). Last evaluated 2024-11-20.

Conditions:
Hereditary cancer-predisposing syndrome. Also called: Neoplastic Syndromes, Hereditary; Hereditary Cancer Syndrome; Tumor predisposition; Hereditary neoplastic syndrome. Identifiers: Orphanet 140162, MedGen C0027672, MeSH D009386, MONDO:0015356.
Familial cancer of breast. Also called: Hereditary breast cancer; hereditary breast carcinoma; BREAST CANCER, FAMILIAL. Identifiers: Orphanet 227535, MedGen C0346153, MONDO:0016419, OMIM 114480. Disease mechanism: loss of function.

Allele frequency attached by ClinVar (database versions not stated): gnomAD exomes below 0.00001; ExAC 0.00001.
gnomAD v4.1: 1 of 1,614,040 alleles (0.000062%); highest among the groups gnomAD compares: Non-Finnish European, 0.000085%; no homozygotes.

Submissions (2):

Ambry Genetics
Classification: Likely benign for Hereditary cancer-predisposing syndrome. Last evaluated: 2024-11-20. Review status: criteria provided, single submitter. Criteria: Ambry Variant Classification Scheme 2023. Collection method: clinical testing. Allele origin: germline.

Labcorp Genetics (formerly Invitae), Labcorp
Classification: Uncertain significance for Familial cancer of breast. Last evaluated: 2022-11-15. Review status: criteria provided, single submitter. Criteria: Invitae Variant Classification Sherloc (09022015). Collection method: clinical testing. Allele origin: germline.
Comment: This variant has not been reported in the literature in individuals affected with PALB2-related conditions. This sequence change replaces glycine, which is neutral and non-polar, with arginine, which is basic and polar, at codon 439 of the PALB2 protein (p.Gly439Arg). This variant is present in population databases (rs764750338, gnomAD 0.0009%). ClinVar contains an entry for this variant (Variation ID: 852568). Advanced modeling of protein sequence and biophysical properties (such as structural, functional, and spatial information, amino acid conservation, physicochemical variation, residue mobility, and thermodynamic stability) performed at Invitae indicates that this missense variant is not expected to disrupt PALB2 protein function. In summary, the available evidence is currently insufficient to determine the role of this variant in disease. Therefore, it has been classified as a Variant of Uncertain Significance.